The following is an entry in ClinVar:

NM_000079.4(CHRNA1):c.1097T>C (p.Ile366Thr)

Gene: CHRNA1 (cholinergic receptor nicotinic alpha 1 subunit; minus strand). Cytogenetic location: 2q31.1.
Variant type: single nucleotide variant.
Coding change: c.1097T>C on transcript NM_000079.4 (MANE Select); coding-DNA position 1097, T replaced by C.
Protein change: p.Ile366Thr; replaces isoleucine 366 with threonine.
Molecular consequence: missense variant.
Genome position (GRCh38, 1-based): chr2:174,748,725, A>G on the plus strand (T>C on the coding strand, the complement: CHRNA1 is on the minus strand). VCF-style: chr2-174748725-A-G. GRCh37 (hg19) VCF-style: chr2-175613453-A-G.
Other names: c.1172T>C, p.Ile391Thr (NM_001039523.3); c.1097T>C (NM_000079.3); short protein forms I366T, I391T.
Identifiers: ClinVar variation 1384993 (VCV001384993.9), dbSNP rs942359952, ClinGen allele CA60847392.

ClinVar aggregate classification (germline): Uncertain significance. Review status: criteria provided, multiple submitters, no conflicts (2 of 4 stars). 2 submissions from 2 submitters: Uncertain significance (2). Last evaluated 2025-06-09.

Conditions:
Inborn genetic diseases. Identifiers: MedGen C0950123, MeSH D030342.
Lethal multiple pterygium syndrome (LMPS). Identifiers: Orphanet 33108, MedGen C1854678, MONDO:0009668, OMIM 253290.

Allele frequency attached by ClinVar (database versions not stated): gnomAD exomes below 0.00001 and 0.00001; gnomAD 0.00001; TOPMed 0.00001.

Submissions (2):

Labcorp Genetics (formerly Invitae), Labcorp
Classification: Uncertain significance for Lethal multiple pterygium syndrome. Last evaluated: 2025-06-09. Review status: criteria provided, single submitter. Criteria: Invitae Variant Classification Sherloc (09022015). Collection method: clinical testing. Allele origin: germline.
Comment: This sequence change replaces isoleucine, which is neutral and non-polar, with threonine, which is neutral and polar, at codon 366 of the CHRNA1 protein (p.Ile366Thr). This variant is present in population databases (no rsID available, gnomAD 0.002%). This variant has not been reported in the literature in individuals affected with CHRNA1-related conditions. ClinVar contains an entry for this variant (Variation ID: 1384993). Invitae Evidence Modeling of protein sequence and biophysical properties (such as structural, functional, and spatial information, amino acid conservation, physicochemical variation, residue mobility, and thermodynamic stability) indicates that this missense variant is not expected to disrupt CHRNA1 protein function with a negative predictive value of 95%. In summary, the available evidence is currently insufficient to determine the role of this variant in disease. Therefore, it has been classified as a Variant of Uncertain Significance.

Ambry Genetics
Classification: Uncertain significance for Inborn genetic diseases. Last evaluated: 2021-07-06. Review status: criteria provided, single submitter. Criteria: Ambry Variant Classification Scheme 2023. Collection method: clinical testing. Allele origin: germline.